The following is an entry in ClinVar:

ClinVar aggregate classification (germline): Uncertain significance (1 of 4 stars; one submission).

Allele frequency attached by ClinVar (database versions not stated): gnomAD exomes below 0.00001.
gnomAD v4.1: 1 of 1,614,006 alleles (0.000062%); highest among the groups gnomAD compares: Non-Finnish European, 0.000085%; no homozygotes.

Submission:

Labcorp Genetics (formerly Invitae), Labcorp
Classification: Uncertain significance. Last evaluated: 2022-08-06. Review status: criteria provided, single submitter. Criteria: Invitae Variant Classification Sherloc (09022015). Collection method: clinical testing. Allele origin: germline.
Comment: This sequence change replaces glutamic acid, which is acidic and polar, with glycine, which is neutral and non-polar, at codon 1155 of the NPHS1 protein (p.Glu1155Gly). This variant is not present in population databases (gnomAD no frequency). This variant has not been reported in the literature in individuals affected with NPHS1-related conditions. Algorithms developed to predict the effect of missense changes on protein structure and function are either unavailable or do not agree on the potential impact of this missense change (SIFT: "Deleterious"; PolyPhen-2: "Benign"; Align-GVGD: "Class C0"). Algorithms developed to predict the effect of sequence changes on RNA splicing suggest that this variant may disrupt the consensus splice site. In summary, the available evidence is currently insufficient to determine the role of this variant in disease. Therefore, it has been classified as a Variant of Uncertain Significance.

NM_004646.4(NPHS1):c.3464A>G (p.Glu1155Gly)

Gene: NPHS1 (NPHS1 adhesion molecule, nephrin; minus strand). Cytogenetic location: 19q13.12.
Variant type: single nucleotide variant.
Coding change: c.3464A>G on transcript NM_004646.4 (MANE Select); coding-DNA position 3464, A replaced by G.
Protein change: p.Glu1155Gly; replaces glutamic acid 1155 with glycine.
Molecular consequence: missense variant.
Genome position (GRCh38, 1-based): chr19:35,831,070, T>C on the plus strand (A>G on the coding strand, the complement: NPHS1 is on the minus strand). VCF-style: chr19-35831070-T-C. GRCh37 (hg19) VCF-style: chr19-36321972-T-C.
Other names: short protein forms E1155G.
Identifiers: ClinVar variation 2159838 (VCV002159838.1), dbSNP rs2513754865, ClinGen allele CA405415688.